The following is an entry in ClinVar:

ClinVar aggregate classification (germline): Uncertain significance. Review status: criteria provided, multiple submitters, no conflicts (2 of 4 stars). 3 submissions from 3 submitters: Uncertain significance (3). Last evaluated 2026-07-10.

Conditions:
Cardiovascular phenotype. Identifiers: MedGen CN230736.

Allele frequency attached by ClinVar (database versions not stated): gnomAD exomes below 0.00001.
gnomAD v4.1: 1 of 1,613,780 alleles (0.000062%); highest among the groups gnomAD compares: Non-Finnish European, 0.000085%; no homozygotes.

Submissions (3):

Ambry Genetics
Classification: Uncertain significance for Cardiovascular phenotype. Last evaluated: 2026-07-10. Review status: criteria provided, single submitter. Criteria: Ambry Variant Classification Scheme 2023. Collection method: clinical testing. Allele origin: germline.
Comment: The p.Y1374C variant (also known as c.4121A>G), located in coding exon 23 of the SCN10A gene, results from an A to G substitution at nucleotide position 4121. The tyrosine at codon 1374 is replaced by cysteine, an amino acid with highly dissimilar properties. This amino acid position is conserved. In addition, this alteration is predicted to be deleterious by in silico analysis. Based on the available evidence, the clinical significance of this variant remains unclear.

Blueprint Genetics
Classification: Uncertain significance. Last evaluated: 2024-07-26. Review status: criteria provided, single submitter. Criteria: ACMG Guidelines, 2015. Collection method: clinical testing. Allele origin: germline.

GeneDx
Classification: Uncertain significance. Last evaluated: 2022-04-01. Review status: criteria provided, single submitter. Criteria: GeneDx Variant Classification Process June 2021. Collection method: clinical testing. Allele origin: germline. Affected: yes.
Comment: Has not been previously published as pathogenic or benign to our knowledge; Not observed at significant frequency in large population cohorts (gnomAD); In silico analysis supports that this missense variant has a deleterious effect on protein structure/function

NM_006514.4(SCN10A):c.4121A>G (p.Tyr1374Cys)

Gene: SCN10A (sodium voltage-gated channel alpha subunit 10; minus strand). Cytogenetic location: 3p22.2.
Variant type: single nucleotide variant.
Coding change: c.4121A>G on transcript NM_006514.4 (MANE Select); coding-DNA position 4121, A replaced by G.
Protein change: p.Tyr1374Cys; replaces tyrosine 1374 with cysteine.
Molecular consequence: missense variant.
Genome position (GRCh38, 1-based): chr3:38,710,866, T>C on the plus strand (A>G on the coding strand, the complement: SCN10A is on the minus strand). VCF-style: chr3-38710866-T-C. GRCh37 (hg19) VCF-style: chr3-38752357-T-C.
Other names: c.4118A>G, p.Tyr1373Cys (NM_001293306.2); c.3827A>G, p.Tyr1276Cys (NM_001293307.2); short protein forms Y1276C, Y1373C, Y1374C.
Identifiers: ClinVar variation 1707896 (VCV001707896.4), dbSNP rs1160216765, ClinGen allele CA352150196.